The following is an entry in ClinVar:

NM_032043.3(BRIP1):c.1169T>C (p.Val390Ala)

Gene: BRIP1 (BRCA1 interacting DNA helicase 1; minus strand). Cytogenetic location: 17q23.2.
Variant type: single nucleotide variant.
Coding change: c.1169T>C on transcript NM_032043.3 (MANE Select); coding-DNA position 1169, T replaced by C.
Protein change: p.Val390Ala; replaces valine 390 with alanine.
Molecular consequence: missense variant.
Genome position (GRCh38, 1-based): chr17:61,799,271, A>G on the plus strand (T>C on the coding strand, the complement: BRIP1 is on the minus strand). VCF-style: chr17-61799271-A-G. GRCh37 (hg19) VCF-style: chr17-59876632-A-G.
Other names: short protein forms V390A.
Identifiers: ClinVar variation 1739022 (VCV001739022.3), dbSNP rs2145309155, ClinGen allele CA400483773.

ClinVar aggregate classification (germline): Uncertain significance. Review status: criteria provided, multiple submitters, no conflicts (2 of 4 stars). 2 submissions from 2 submitters: Uncertain significance (2). Last evaluated 2025-07-20.

Conditions:
Fanconi anemia complementation group J. Also called: BRIP1-Related Fanconi Anemia. Identifiers: Orphanet 84, MedGen C1836860, MONDO:0012187, OMIM 609054.
Familial cancer of breast. Also called: BREAST CANCER, FAMILIAL; Hereditary breast cancer; hereditary breast carcinoma. Identifiers: Orphanet 227535, MedGen C0346153, MONDO:0016419, OMIM 114480. Disease mechanism: loss of function.
Hereditary cancer-predisposing syndrome. Also called: Neoplastic Syndromes, Hereditary; Tumor predisposition; Hereditary Cancer Syndrome; Hereditary neoplastic syndrome. Identifiers: Orphanet 140162, MedGen C0027672, MeSH D009386, MONDO:0015356.

Submissions (2):

Labcorp Genetics (formerly Invitae), Labcorp
Classification: Uncertain significance for Familial cancer of breast; Fanconi anemia complementation group J. Last evaluated: 2025-07-20. Review status: criteria provided, single submitter. Criteria: Invitae Variant Classification Sherloc (09022015). Collection method: clinical testing. Allele origin: germline.
Comment: This sequence change replaces valine, which is neutral and non-polar, with alanine, which is neutral and non-polar, at codon 390 of the BRIP1 protein (p.Val390Ala). This variant is not present in population databases (gnomAD no frequency). This variant has not been reported in the literature in individuals affected with BRIP1-related conditions. ClinVar contains an entry for this variant (Variation ID: 1739022). Invitae Evidence Modeling of protein sequence and biophysical properties (such as structural, functional, and spatial information, amino acid conservation, physicochemical variation, residue mobility, and thermodynamic stability) indicates that this missense variant is expected to disrupt BRIP1 protein function with a positive predictive value of 95%. In summary, the available evidence is currently insufficient to determine the role of this variant in disease. Therefore, it has been classified as a Variant of Uncertain Significance.

Ambry Genetics
Classification: Uncertain significance for Hereditary cancer-predisposing syndrome. Last evaluated: 2021-01-21. Review status: criteria provided, single submitter. Criteria: Ambry Variant Classification Scheme 2023. Collection method: clinical testing. Allele origin: germline.
Comment: The p.V390A variant (also known as c.1169T>C), located in coding exon 8 of the BRIP1 gene, results from a T to C substitution at nucleotide position 1169. The valine at codon 390 is replaced by alanine, an amino acid with similar properties. This amino acid position is well conserved in available vertebrate species. In addition, the in silico prediction for this alteration is inconclusive. Since supporting evidence is limited at this time, the clinical significance of this alteration remains unclear.